The following is an entry in ClinVar:

NM_001267550.2(TTN):c.104171A>G (p.Lys34724Arg)

Genes: TTN (titin; minus strand), TTN-AS1 (TTN antisense RNA 1; plus strand). Cytogenetic location: 2q31.2.
Variant type: single nucleotide variant.
Coding change: c.104171A>G on transcript NM_001267550.2 (MANE Select); coding-DNA position 104171, A replaced by G.
Protein change: p.Lys34724Arg; replaces lysine 34724 with arginine.
Molecular consequence: missense variant.
Genome position (GRCh38, 1-based): chr2:178,532,444, T>C on the plus strand (A>G on the coding strand, the complement: TTN is on the minus strand). VCF-style: chr2-178532444-T-C. GRCh37 (hg19) VCF-style: chr2-179397171-T-C.
Other names: c.99248A>G, p.Lys33083Arg (NM_001256850.1); c.76976A>G, p.Lys25659Arg (NM_003319.4); c.96467A>G, p.Lys32156Arg (NM_133378.4); c.77351A>G, p.Lys25784Arg (NM_133432.3); c.77552A>G, p.Lys25851Arg (NM_133437.4); short protein forms K25659R, K25784R, K25851R, K32156R, K33083R, K34724R.
Identifiers: ClinVar variation 3761171 (VCV003761171.2).

ClinVar aggregate classification (germline): Uncertain significance (1 of 4 stars; one submission).

Conditions:
Autosomal recessive limb-girdle muscular dystrophy type 2J (LGMDR10). Also called: Limb-girdle muscular dystrophy, type 2J; MUSCULAR DYSTROPHY, LIMB-GIRDLE, AUTOSOMAL RECESSIVE 10. Identifiers: Orphanet 140922, MedGen C1837342, MONDO:0012127, OMIM 608807.
Dilated cardiomyopathy 1G (CMD1G). Identifiers: Orphanet 154, MedGen C1858763, MONDO:0011400, OMIM 604145.

gnomAD v4.1: 1 of 1,613,880 alleles (0.000062%); highest among the groups gnomAD compares: African/African-American, 0.0013%; no homozygotes.

Submission:

Labcorp Genetics (formerly Invitae), Labcorp
Classification: Uncertain significance for Dilated cardiomyopathy 1G; Autosomal recessive limb-girdle muscular dystrophy type 2J. Last evaluated: 2025-01-23. Review status: criteria provided, single submitter. Criteria: Invitae Variant Classification Sherloc (09022015). Collection method: clinical testing. Allele origin: germline.
Comment: This sequence change replaces lysine, which is basic and polar, with arginine, which is basic and polar, at codon 34724 of the TTN protein (p.Lys34724Arg). This variant is present in population databases (no rsID available, gnomAD 0.01%). This variant has not been reported in the literature in individuals affected with TTN-related conditions. An algorithm developed to predict the effect of missense changes on protein structure and function outputs the following: PolyPhen-2: "Not Available". The arginine amino acid residue is found in multiple mammalian species, which suggests that this missense change does not adversely affect protein function. This variant is located in the M band of TTN (PMID: 25589632). Non-truncating variants in this region may be relevant for neuromuscular disorders, but have not been definitively shown to cause cardiomyopathy (PMID: 23975875). In summary, the available evidence is currently insufficient to determine the role of this variant in disease. Therefore, it has been classified as a Variant of Uncertain Significance.

Literature cited by the submitters: PubMed 25589632; PubMed 23975875.